The following is an entry in ClinVar:

NM_001365536.1(SCN9A):c.5917A>G (p.Arg1973Gly)

Genes: SCN9A (sodium voltage-gated channel alpha subunit 9; minus strand), SCN1A-AS1 (SCN1A and SCN9A antisense RNA 1; plus strand). Cytogenetic location: 2q24.3.
Variant type: single nucleotide variant.
Coding change: c.5917A>G on transcript NM_001365536.1 (MANE Select); coding-DNA position 5917, A replaced by G.
Protein change: p.Arg1973Gly; replaces arginine 1973 with glycine.
Molecular consequence: missense variant.
Genome position (GRCh38, 1-based): chr2:166,198,722, T>C on the plus strand (A>G on the coding strand, the complement: SCN9A is on the minus strand). VCF-style: chr2-166198722-T-C. GRCh37 (hg19) VCF-style: chr2-167055232-T-C.
Other names: c.5884A>G, p.Arg1962Gly (NM_002977.4); short protein forms R1973G, R1962G.
Identifiers: ClinVar variation 2949263 (VCV002949263.3), dbSNP rs1553472676, ClinGen allele CA349051074.

ClinVar aggregate classification (germline): Uncertain significance (1 of 4 stars; one submission).

Conditions:
Neuropathy, hereditary sensory and autonomic, type 2A (HSAN2A). Also called: ACROOSTEOLYSIS, GIACCAI TYPE; ACROOSTEOLYSIS, NEUROGENIC; MORVAN DISEASE; NEUROPATHY, CONGENITAL SENSORY; NEUROPATHY, HEREDITARY SENSORY RADICULAR, AUTOSOMAL RECESSIVE; NEUROPATHY, HEREDITARY SENSORY, TYPE IIA. Identifiers: Orphanet 970, MedGen C2752089, MONDO:0024309, OMIM 201300.
Generalized epilepsy with febrile seizures plus, type 7 (GEFSP7). Also called: GEFS+, TYPE 7. Identifiers: Orphanet 36387, MedGen C2751778, MONDO:0013470, OMIM 613863.

Allele frequency attached by ClinVar (database versions not stated): gnomAD exomes below 0.00001; TOPMed below 0.00001.
gnomAD v4.1: 2 of 1,612,680 alleles (0.00012%); highest among the groups gnomAD compares: Non-Finnish European, 0.00017%; no homozygotes.

Submission:

Labcorp Genetics (formerly Invitae), Labcorp
Classification: Uncertain significance for Neuropathy, hereditary sensory and autonomic, type 2A; Generalized epilepsy with febrile seizures plus, type 7. Last evaluated: 2025-12-13. Review status: criteria provided, single submitter. Criteria: Invitae Variant Classification Sherloc (09022015). Collection method: clinical testing. Allele origin: germline.
Comment: This sequence change replaces arginine, which is basic and polar, with glycine, which is neutral and non-polar, at codon 1962 of the SCN9A protein (p.Arg1962Gly). This variant is not present in population databases (gnomAD no frequency). This variant has not been reported in the literature in individuals affected with SCN9A-related conditions. ClinVar contains an entry for this variant (Variation ID: 2949263). Invitae Evidence Modeling of protein sequence and biophysical properties (such as structural, functional, and spatial information, amino acid conservation, physicochemical variation, residue mobility, and thermodynamic stability) has been performed for this missense variant. However, the output from this modeling did not meet the statistical confidence thresholds required to predict the impact of this variant on SCN9A protein function. In summary, the available evidence is currently insufficient to determine the role of this variant in disease. Therefore, it has been classified as a Variant of Uncertain Significance.